The following is an entry in ClinVar:

NM_001368882.1(COL13A1):c.1285-1G>C

Gene: COL13A1 (collagen type XIII alpha 1 chain; plus strand). Cytogenetic location: 10q22.1.
Variant type: single nucleotide variant.
Coding change: c.1285-1G>C on transcript NM_001368882.1 (MANE Select); the canonical splice acceptor site of the intron before coding-DNA position 1285, G replaced by C.
Molecular consequence: splice acceptor variant.
Genome position (GRCh38, 1-based): chr10:69,924,962, G>C. VCF-style: chr10-69924962-G-C. GRCh37 (hg19) VCF-style: chr10-71684718-G-C.
Other names: c.1222-1G>C (NM_001320951.2, NM_001368884.1); c.1252-1G>C (NM_001130103.2); c.1186-1G>C (NM_080801.4, NM_080802.4, NM_001368885.1); c.1195-1G>C (NM_080800.4, NM_001368895.1); c.622-1G>C (NM_001368886.1); c.1249-1G>C (NM_001368883.1); c.1099-1G>C (NM_080805.4); c.1108-1G>C (NM_001368897.1); and 1 more.
Identifiers: ClinVar variation 1066742 (VCV001066742.11), dbSNP rs763197055, ClinGen allele CA5534670.
Genomic context (GRCh38, chr10:69,924,962, plus strand): 5'-GGACATCAGGCTCTCTGTACCAACTTTATCCCCACTTTGCTCCAATTTTGTCATGCAACA[G>C]GGGGAGCGTGGAGCAGCTGGAGAACAGGGACCAGATGGCCCCAAGGTATGTGCCTCTCCC-3'

ClinVar aggregate classification (germline): Likely pathogenic. Review status: criteria provided, multiple submitters, no conflicts (2 of 4 stars). 4 submissions from 4 submitters: Likely pathogenic (4). Last evaluated 2026-04-02.

Conditions:
Congenital myasthenic syndrome 19. Identifiers: Orphanet 590, MedGen C4225235, MONDO:0014745, OMIM 616720.

Allele frequency attached by ClinVar (database versions not stated): gnomAD exomes 0.00003 and 0.00001; ExAC 0.00009; TOPMed 0.00002.
gnomAD v4.1: 6 of 1,588,786 alleles (0.00038%); highest among the groups gnomAD compares: Admixed American, 0.0089%; no homozygotes.

Submissions (4):

GeneDx
Classification: Likely pathogenic. Last evaluated: 2026-04-02. Review status: criteria provided, single submitter. Criteria: GeneDx Variant Classification Process June 2021. Collection method: clinical testing. Allele origin: germline.
Comment: Canonical splice site variant predicted to result in an in-frame loss of the adjacent exon in a gene for which loss of function is a known mechanism of disease; Has not been previously published as pathogenic or benign to our knowledge; This variant is associated with the following publications: (PMID: 26626625)

Labcorp Genetics (formerly Invitae), Labcorp
Classification: Likely pathogenic. Last evaluated: 2026-01-01. Review status: criteria provided, single submitter. Criteria: Invitae Variant Classification Sherloc (09022015). Collection method: clinical testing. Allele origin: germline.
Comment: This sequence change affects an acceptor splice site in intron 23 of the COL13A1 gene. It is expected to disrupt RNA splicing. Variants that disrupt the donor or acceptor splice site typically lead to a loss of protein function (PMID: 16199547), and loss-of-function variants in COL13A1 are known to be pathogenic (PMID: 26626625). This variant is present in population databases (rs763197055, gnomAD 0.02%). This variant has not been reported in the literature in individuals affected with COL13A1-related conditions. ClinVar contains an entry for this variant (Variation ID: 1066742). Algorithms developed to predict the effect of sequence changes on RNA splicing suggest that this variant may disrupt the consensus splice site. In summary, the currently available evidence indicates that the variant is pathogenic, but additional data are needed to prove that conclusively. Therefore, this variant has been classified as Likely Pathogenic.

Women's Health and Genetics/Laboratory Corporation of America, LabCorp
Classification: Likely pathogenic for Congenital myasthenic syndrome 19. Last evaluated: 2024-09-05. Review status: criteria provided, single submitter. Criteria: LabCorp Variant Classification Summary - May 2015. Collection method: clinical testing. Allele origin: germline.
Comment: Variant summary: COL13A1 c.1252-1G>C is located in a canonical splice-site and is predicted to affect mRNA splicing resulting in a significantly altered protein due to either exon skipping, shortening, or inclusion of intronic material. Variants that disrupt the consensus splice site are a relatively common cause of aberrant splicing and loss of COL13A1 function. Several computational tools predict a significant impact on normal splicing: Four predict the variant abolishes a 3' acceptor site. However, these predictions have yet to be confirmed by functional studies. The variant allele was found at a frequency of 3.3e-05 in 214742 control chromosomes. To our knowledge, no occurrence of c.1252-1G>C in individuals affected with Congenital Myasthenic Syndrome 19 and no experimental evidence demonstrating its impact on protein function have been reported. ClinVar contains an entry for this variant (Variation ID: 1066742). Based on the evidence outlined above, the variant was classified as likely pathogenic.

Revvity Omics, Revvity
Classification: Likely pathogenic for Congenital myasthenic syndrome 19. Last evaluated: 2022-06-21. Review status: criteria provided, single submitter. Criteria: ACMG Guidelines, 2015. Collection method: clinical testing. Allele origin: germline.

Literature cited by the submitters: PubMed 16199547 (cited by Labcorp Genetics (formerly Invitae), Labcorp); PubMed 26626625 (cited by Labcorp Genetics (formerly Invitae), Labcorp).